The following is an entry in ClinVar:

ClinVar aggregate classification (germline): Uncertain significance. Review status: criteria provided, multiple submitters, no conflicts (2 of 4 stars). 5 submissions from 5 submitters: Uncertain significance (5). Last evaluated 2025-11-12.

Conditions:
Hereditary cancer-predisposing syndrome. Also called: Hereditary Cancer Syndrome; Neoplastic Syndromes, Hereditary; Tumor predisposition; Hereditary neoplastic syndrome. Identifiers: Orphanet 140162, MedGen C0027672, MeSH D009386, MONDO:0015356.
Familial adenomatous polyposis 2. Also called: Adenomas, multiple colorectal; COLORECTAL ADENOMATOUS POLYPOSIS, AUTOSOMAL RECESSIVE; MYH-associated polyposis; FAP type 2; MUTYH-associated polyposis; MUTYH-related attenuated familial adenomatous polyposis. Identifiers: Orphanet 220460, Orphanet 247798, MedGen C3272841, MONDO:0012041, OMIM 608456.

Allele frequency attached by ClinVar (database versions not stated): TOPMed 0.00001; gnomAD exomes below 0.00001 and 0.00001; ExAC 0.00001.
gnomAD v4.1: 11 of 1,613,628 alleles (0.00068%); highest among the groups gnomAD compares: Non-Finnish European, 0.00076%; no homozygotes.

Submissions (5):

Labcorp Genetics (formerly Invitae), Labcorp
Classification: Uncertain significance for Familial adenomatous polyposis 2. Last evaluated: 2025-11-12. Review status: criteria provided, single submitter. Criteria: Invitae Variant Classification Sherloc (09022015). Collection method: clinical testing. Allele origin: germline.
Comment: This variant occurs in a non-coding region of the MUTYH gene. It does not change the encoded amino acid sequence of the MUTYH protein. This variant is present in population databases (rs781609463, gnomAD 0.0009%). This variant has been observed in individual(s) with clinical features of MUTYH-related conditions (PMID: 28644590). ClinVar contains an entry for this variant (Variation ID: 619704). In summary, the available evidence is currently insufficient to determine the role of this variant in disease. Therefore, it has been classified as a Variant of Uncertain Significance.

Ambry Genetics
Classification: Uncertain significance for Hereditary cancer-predisposing syndrome. Last evaluated: 2025-07-03. Review status: criteria provided, single submitter. Criteria: Ambry Variant Classification Scheme 2023. Collection method: clinical testing. Allele origin: germline.
Comment: The c.-2C>G variant is located in the 5' untranslated region (5&rsquo; UTR) of the MUTYH gene. This variant results from a C to G substitution 2 bases upstream from the first translated codon. This nucleotide position is highly conserved in available vertebrate species. Since supporting evidence is limited at this time, the clinical significance of this alteration remains unclear.

Baylor Genetics
Classification: Uncertain significance for Familial adenomatous polyposis 2. Last evaluated: 2023-07-21. Review status: criteria provided, single submitter. Criteria: ACMG Guidelines, 2015. Collection method: clinical testing. Allele origin: unknown.

Color Diagnostics, LLC DBA Color Health
Classification: Uncertain significance for Hereditary cancer-predisposing syndrome. Last evaluated: 2023-06-07. Review status: criteria provided, single submitter. Criteria: ACMG Guidelines, 2015. Collection method: clinical testing. Allele origin: germline.
Comment: This variant is located in the 5' untranslated region of the MUTYH gene. To our knowledge, functional studies have not been reported for this variant. This variant has been identified in 1/248736 chromosomes in the general population by the Genome Aggregation Database (gnomAD). The available evidence is insufficient to determine the role of this variant in disease conclusively. Therefore, this variant is classified as a Variant of Uncertain Significance.

Quest Diagnostics Nichols Institute San Juan Capistrano
Classification: Uncertain significance. Last evaluated: 2017-08-30. Review status: criteria provided, single submitter. Criteria: Quest Diagnostics criteria. Collection method: clinical testing. Allele origin: germline.

Literature cited by the submitters: PubMed 28644590 (cited by Labcorp Genetics (formerly Invitae), Labcorp and Ambry Genetics).

NM_001128425.2(MUTYH):c.-2C>G

Genes: MUTYH (mutY DNA glycosylase; minus strand), TOE1 (target of EGR1, exonuclease; plus strand). Cytogenetic location: 1p34.1.
Variant type: single nucleotide variant.
Coding change: c.-2C>G on transcript NM_001128425.2 (MANE Plus Clinical); 2 bases upstream of the start codon, C replaced by G.
Molecular consequence: 5 prime UTR variant. On other transcripts: non-coding transcript variant (3), missense variant (1).
Genome position (GRCh38, 1-based): chr1:45,340,256, G>C on the plus strand (C>G on the coding strand, the complement: MUTYH is on the minus strand). VCF-style: chr1-45340256-G-C. GRCh37 (hg19) VCF-style: chr1-45805928-G-C.
Other names: c.4G>C, p.Ala2Pro (NM_025077.4); c.-44C>G (NM_001048171.2); c.-2C>G (NM_001293190.2, NM_001407069.1, NM_001407073.1 and 1 more transcripts); c.-256C>G (NM_001293192.2); c.-315C>G (NM_001350650.2); c.-251C>G (NM_001350651.2); c.-60C>G (NM_001407070.1, NM_001407071.1); c.-40C>G (NM_001407072.1); short protein forms A2P.
Identifiers: ClinVar variation 619704 (VCV000619704.17), dbSNP rs781609463, ClinGen allele CA089470.